The following is an entry in ClinVar:

ClinVar aggregate classification (germline): Uncertain significance (1 of 4 stars; one submission).

Allele frequency attached by ClinVar (database versions not stated): gnomAD 0.00001; gnomAD exomes 0.00005 and 0.00009; ExAC 0.00012.
gnomAD v4.1: 71 of 1,595,336 alleles (0.0045%); highest among the groups gnomAD compares: South Asian, 0.079%; 1 homozygote.

Submission:

Dubai Health Genomic Medicine Center, Dubai Health
Classification: Uncertain significance. Last evaluated: 2020-09-21. Review status: criteria provided, single submitter. Criteria: ACMG Guidelines, 2015. Collection method: clinical testing. Allele origin: germline. Affected: yes.
Comment: The p.Glu285Gln missense variant in HACD1 has not been previously reported in affected individuals but was identified in 23/28972 (0.08% 0 homozygotes) South Asian alleles in the Genome Aggregation Database (gnomAD). Computational prediction tools and conservation analysis do not suggest an impact to protein function though this information is not predictive enough to confirm pathogenicity. In summary more information is needed to fully assess the clinical significance of this variant. An nonsense variant in this gene has been reported in one consanguineous family with congenital myopathy where multiple members had several features including hypotonia decreased muscle tone and absent deep tendon reflexes (PMID: 23933735).

NM_014241.4(HACD1):c.853G>C (p.Glu285Gln)

Gene: HACD1 (3-hydroxyacyl-CoA dehydratase 1; minus strand). Cytogenetic location: 10p12.33.
Variant type: single nucleotide variant.
Coding change: c.853G>C on transcript NM_014241.4 (MANE Select); coding-DNA position 853, G replaced by C.
Protein change: p.Glu285Gln; replaces glutamic acid 285 with glutamine.
Molecular consequence: missense variant.
Genome position (GRCh38, 1-based): chr10:17,590,378, C>G on the plus strand (G>C on the coding strand, the complement: HACD1 is on the minus strand). VCF-style: chr10-17590378-C-G. GRCh37 (hg19) VCF-style: chr10-17632377-C-G.
Other names: short protein forms E285Q.
Identifiers: ClinVar variation 1301706 (VCV001301706.2), dbSNP rs556888412, ClinGen allele CA5427198.